The following is an entry in ClinVar:

NM_173648.4(CCDC141):c.1411G>A (p.Glu471Lys)

Gene: CCDC141 (coiled-coil domain containing 141; minus strand). Cytogenetic location: 2q31.2.
Variant type: single nucleotide variant.
Coding change: c.1411G>A on transcript NM_173648.4 (MANE Select); coding-DNA position 1411, G replaced by A.
Protein change: p.Glu471Lys; replaces glutamic acid 471 with lysine.
Molecular consequence: missense variant.
Genome position (GRCh38, 1-based): chr2:178,886,868, C>T on the plus strand (G>A on the coding strand, the complement: CCDC141 is on the minus strand). VCF-style: chr2-178886868-C-T. GRCh37 (hg19) VCF-style: chr2-179751595-C-T.
Other names: c.1411G>A, p.Glu471Lys (NM_001316745.2); short protein forms E471K.
Identifiers: ClinVar variation 4695954 (VCV004695954.1).
Genomic context (GRCh38, chr2:178,886,868, plus strand): 5'-GGGTAGAACCAACATCCATTGCATTAGAAAGTACTGGACTGATTTTCTGAATTGACATTT[C>T]CACCTTTAGGAGTGAATAATATATGGCAGTCTTAGTAATATATTTTTGCATATATGTACG-3'
Protein context (NP_775919.3, residues 461-481): ASVEGYLRKV[Glu471Lys]MSIQKISPVL

ClinVar aggregate classification (germline): Uncertain significance (1 of 4 stars; one submission).

gnomAD v4.1: 58 of 1,418,884 alleles (0.0041%); highest among the groups gnomAD compares: Non-Finnish European, 0.0052%; no homozygotes.

Submission:

Labcorp Genetics (formerly Invitae), Labcorp
Classification: Uncertain significance. Last evaluated: 2025-02-15. Review status: criteria provided, single submitter. Criteria: Invitae Variant Classification Sherloc (09022015). Collection method: clinical testing. Allele origin: germline.
Comment: This sequence change replaces glutamic acid, which is acidic and polar, with lysine, which is basic and polar, at codon 471 of the CCDC141 protein (p.Glu471Lys). The frequency data for this variant in the population databases is considered unreliable, as metrics indicate poor data quality at this position in the gnomAD database. This variant has not been reported in the literature in individuals affected with CCDC141-related conditions. An algorithm developed to predict the effect of missense changes on protein structure and function (PolyPhen-2) suggests that this variant is likely to be tolerated. In summary, the available evidence is currently insufficient to determine the role of this variant in disease. Therefore, it has been classified as a Variant of Uncertain Significance.